The following is an entry in ClinVar:

ClinVar aggregate classification (germline): Uncertain significance (1 of 4 stars; one submission).

Allele frequency attached by ClinVar (database versions not stated): TOPMed below 0.00001; ExAC 0.00001; gnomAD 0.00001; gnomAD exomes 0.00001.
gnomAD v4.1: 24 of 1,614,002 alleles (0.0015%); highest among the groups gnomAD compares: Middle Eastern, 0.033%; no homozygotes.

Submission:

Labcorp Genetics (formerly Invitae), Labcorp
Classification: Uncertain significance. Last evaluated: 2025-01-27. Review status: criteria provided, single submitter. Criteria: Invitae Variant Classification Sherloc (09022015). Collection method: clinical testing. Allele origin: germline.
Comment: This sequence change replaces alanine, which is neutral and non-polar, with threonine, which is neutral and polar, at codon 1117 of the TAF2 protein (p.Ala1117Thr). This variant is present in population databases (rs753489107, gnomAD no frequency). This variant has not been reported in the literature in individuals affected with TAF2-related conditions. ClinVar contains an entry for this variant (Variation ID: 1410144). An algorithm developed to predict the effect of missense changes on protein structure and function (PolyPhen-2) suggests that this variant is likely to be tolerated. In summary, the available evidence is currently insufficient to determine the role of this variant in disease. Therefore, it has been classified as a Variant of Uncertain Significance.

NM_003184.4(TAF2):c.3349G>A (p.Ala1117Thr)

Gene: TAF2 (TATA-box binding protein associated factor 2; minus strand). Cytogenetic location: 8q24.12.
Variant type: single nucleotide variant.
Coding change: c.3349G>A on transcript NM_003184.4 (MANE Select); coding-DNA position 3349, G replaced by A.
Protein change: p.Ala1117Thr; replaces alanine 1117 with threonine.
Molecular consequence: missense variant.
Genome position (GRCh38, 1-based): chr8:119,732,175, C>T on the plus strand (G>A on the coding strand, the complement: TAF2 is on the minus strand). VCF-style: chr8-119732175-C-T. GRCh37 (hg19) VCF-style: chr8-120744415-C-T.
Other names: short protein forms A1117T.
Identifiers: ClinVar variation 1410144 (VCV001410144.5), dbSNP rs753489107, ClinGen allele CA4856806.